The following is an entry in ClinVar:

ClinVar aggregate classification (germline): Uncertain significance (1 of 4 stars; one submission).

Conditions:
PCNT-related disorder. Also called: PCNT-related condition.

gnomAD v4.1: 4 of 1,611,712 alleles (0.00025%); highest among the groups gnomAD compares: Middle Eastern, 0.017%; no homozygotes.

Submission:

PreventionGenetics, part of Exact Sciences
Classification: Uncertain significance for PCNT-related condition. Last evaluated: 2024-12-03. Review status: criteria provided, single submitter. Criteria: ACMG Guidelines, 2015. Collection method: clinical testing. Allele origin: germline.
Comment: The PCNT c.1420C>T variant is predicted to result in the amino acid substitution p.Leu474Phe. To our knowledge, this variant has not been reported in the literature or in a large population database (gnomAD), indicating this variant is rare. At this time, the clinical significance of this variant is uncertain due to the absence of conclusive functional and genetic evidence.

NM_006031.6(PCNT):c.1420C>T (p.Leu474Phe)

Gene: PCNT (pericentrin; plus strand). Cytogenetic location: 21q22.3.
Variant type: single nucleotide variant.
Coding change: c.1420C>T on transcript NM_006031.6 (MANE Select); coding-DNA position 1420, C replaced by T.
Protein change: p.Leu474Phe; replaces leucine 474 with phenylalanine.
Molecular consequence: missense variant.
Genome position (GRCh38, 1-based): chr21:46,351,504, C>T. VCF-style: chr21-46351504-C-T. GRCh37 (hg19) VCF-style: chr21-47771418-C-T.
Other names: c.1066C>T, p.Leu356Phe (NM_001315529.2); short protein forms L356F, L474F.
Identifiers: ClinVar variation 5001314 (VCV005001314.1).